The following is an entry in ClinVar:

NM_020117.11(LARS1):c.84_85del (p.Arg28fs)

Genes: LARS1 (leucyl-tRNA synthetase 1; minus strand), LOC129389388 (MPRA-validated peak5521 silencer; plus strand). Cytogenetic location: 5q32.
Variant type: Microsatellite.
Coding change: c.84_85del on transcript NM_020117.11 (MANE Select); coding-DNA positions 84 to 85, 2 bases deleted (AG; older notation c.84_85delAG).
Protein change: p.Arg28fs; shifts the reading frame from arginine 28.
Molecular consequence: frameshift variant. On other transcripts: intron variant (1).
Genome position (GRCh38, 1-based): chr5:146,177,587-146,177,588, CT deleted on the plus strand (AG on the coding strand, the reverse complement: LARS1 is on the minus strand); deleting any 2 consecutive bases within chr5:146,177,587-146,177,593 gives the same sequence; the c. name uses the placement nearest the transcript's 3' end. VCF-style (leftmost placement, unchanged base first): chr5-146177586-ACT-A. GRCh37 (hg19) VCF-style: chr5-145557149-ACT-A.
Other names: c.84_85del, p.Arg28fs (NM_001317964.2, NM_016460.4); c.-37-4818AG[2] (NM_001317965.2); short protein forms R28fs.
Identifiers: ClinVar variation 214579 (VCV000214579.1), dbSNP rs863224048, ClinGen allele CA323211.

ClinVar aggregate classification (germline): Pathogenic (1 of 4 stars; one submission).

Submission:

GeneDx
Classification: Pathogenic. Last evaluated: 2015-01-20. Review status: criteria provided, single submitter. Criteria: GeneDx Variant Classification (06012015). Collection method: clinical testing. Allele origin: germline. Affected: yes.
Comment: c.84_85delAG: p.Arg28SerfsX3 (R28SfsX3) in exon 2 of the LARS gene (NM_020117.9). The normal sequence with the bases that are deleted in braces is: AGAG{AG}TGTT. The c.84_85delAG mutation in the LARS gene causes a frameshift starting with codon Arginine 28, changes this amino acid to a Serine residue and creates a premature Stop codon at position 3 of the new reading frame, denoted p.Arg28SerfsX3. This mutation is predicted to cause loss of normal protein function either through protein truncation or nonsense-mediated mRNA decay. Although this mutation has not been previously reported to our knowledge, it is expected to be a pathogenic mutation. The variant is found in MITONUC-MITOP panel(s).